The following is an entry in ClinVar:

NM_004369.4(COL6A3):c.6119G>A (p.Arg2040Lys)

Gene: COL6A3 (collagen type VI alpha 3 chain; minus strand). Cytogenetic location: 2q37.3.
Variant type: single nucleotide variant.
Coding change: c.6119G>A on transcript NM_004369.4 (MANE Select); coding-DNA position 6119, G replaced by A.
Protein change: p.Arg2040Lys; replaces arginine 2040 with lysine.
Molecular consequence: missense variant.
Genome position (GRCh38, 1-based): chr2:237,361,776, C>T on the plus strand (G>A on the coding strand, the complement: COL6A3 is on the minus strand). VCF-style: chr2-237361776-C-T. GRCh37 (hg19) VCF-style: chr2-238270419-C-T.
Other names: c.4298G>A, p.Arg1433Lys (NM_057166.5); c.5501G>A, p.Arg1834Lys (NM_057167.4); short protein forms R1433K, R2040K, R1834K.
Identifiers: ClinVar variation 2060225 (VCV002060225.4), dbSNP rs2469867198, ClinGen allele CA351217789.
Genomic context (GRCh38, chr2:237,361,776, plus strand): 5'-GGGCAAGGGTAAAGCCACCGTACCTTTGGCCCGATGCTGCCGATGGGCCCGCGGTCTCCC[C>T]TCTGCCCAGAGCACTTGCAGGGAACCCCACAGCAAGCTTTCTCGGCAATGTTGTCCTACC-3'
Protein context (NP_004360.2, residues 2030-2050): CGVPCKCSGQ[Arg2040Lys]GDRGPIGSIG

ClinVar aggregate classification (germline): Uncertain significance (1 of 4 stars; one submission).

Conditions:
Bethlem myopathy 1A. Also called: MYOPATHY, BENIGN CONGENITAL, WITH CONTRACTURES; Bethlem Muscular Dystrophy; Bethlem myopathy 1. Identifiers: Orphanet 610, MedGen CN029274, MONDO:0024530, OMIM 158810.

Allele frequency attached by ClinVar (database versions not stated): gnomAD exomes below 0.00001.
gnomAD v4.1: 7 of 1,614,236 alleles (0.00043%); highest among the groups gnomAD compares: Non-Finnish European, 0.00059%; no homozygotes.

Submission:

Labcorp Genetics (formerly Invitae), Labcorp
Classification: Uncertain significance for Bethlem myopathy 1A. Last evaluated: 2023-10-13. Review status: criteria provided, single submitter. Criteria: Invitae Variant Classification Sherloc (09022015). Collection method: clinical testing. Allele origin: germline.
Comment: This sequence change replaces arginine, which is basic and polar, with lysine, which is basic and polar, at codon 2040 of the COL6A3 protein (p.Arg2040Lys). This variant is not present in population databases (gnomAD no frequency). This variant has not been reported in the literature in individuals affected with COL6A3-related conditions. ClinVar contains an entry for this variant (Variation ID: 2060225). Advanced modeling of protein sequence and biophysical properties (such as structural, functional, and spatial information, amino acid conservation, physicochemical variation, residue mobility, and thermodynamic stability) performed at Invitae indicates that this missense variant is expected to disrupt COL6A3 protein function. In summary, the available evidence is currently insufficient to determine the role of this variant in disease. Therefore, it has been classified as a Variant of Uncertain Significance.